The following is an entry in ClinVar:

NM_001193315.2(VIPAS39):c.1242G>A (p.Leu414=)

Gene: VIPAS39 (VPS33B interacting protein, apical-basolateral polarity regulator, spe-39 homolog; minus strand). Cytogenetic location: 14q24.3.
Variant type: single nucleotide variant.
Coding change: c.1242G>A on transcript NM_001193315.2 (MANE Select); coding-DNA position 1242, G replaced by A.
Protein change: p.Leu414=; no amino-acid change (leucine 414 retained).
Molecular consequence: synonymous variant.
Genome position (GRCh38, 1-based): chr14:77,429,705, C>T on the plus strand (G>A on the coding strand, the complement: VIPAS39 is on the minus strand). VCF-style: chr14-77429705-C-T. GRCh37 (hg19) VCF-style: chr14-77896048-C-T.
Other names: p.Leu414=; c.1242G>A, p.Leu414= (NM_001193314.2, NM_001193317.2, NM_022067.4); c.1095G>A, p.Leu365= (NM_001193316.2).
Identifiers: ClinVar variation 194886 (VCV000194886.49), dbSNP rs45447095, ClinGen allele CA201423.

ClinVar aggregate classification (germline): Benign/Likely benign. Review status: criteria provided, multiple submitters, no conflicts (2 of 4 stars). 7 submissions from 7 submitters: Benign (2); Likely benign (4). 1 of the submissions does not count toward it. Last evaluated 2026-02-01.

Conditions:
VIPAS39-related disorder. Also called: VIPAS39-related condition.

Allele frequency attached by ClinVar (database versions not stated): 1000 Genomes Project 30x 0.00359; TOPMed 0.00444; gnomAD 0.00453 and 0.00459; ESP Exome Variant Server 0.00577; gnomAD exomes 0.00585 and 0.00728; ExAC 0.00634; 1000 Genomes Project 0.00319.
gnomAD v4.1: 11,262 of 1,614,160 alleles (0.7%); highest among the groups gnomAD compares: Non-Finnish European, 0.81%; 64 homozygotes.

Submissions (7):

Labcorp Genetics (formerly Invitae), Labcorp
Classification: Benign. Last evaluated: 2026-02-01. Review status: criteria provided, single submitter. Criteria: Invitae Variant Classification Sherloc (09022015). Collection method: clinical testing. Allele origin: germline.

CeGaT Center for Human Genetics Tuebingen
Classification: Likely benign. Last evaluated: 2025-11-01. Review status: criteria provided, single submitter. Criteria: CeGaT Center For Human Genetics Tuebingen Variant Classification Criteria Version 2. Collection method: clinical testing. Allele origin: germline. Affected: yes. Observed: 6 variant alleles.
Comment: VIPAS39: BP4, BP7, BS2

Mayo Clinic Laboratories, Mayo Clinic
Classification: Likely benign. Last evaluated: 2025-05-01. Review status: criteria provided, single submitter. Criteria: ACMG Guidelines, 2015. Collection method: clinical testing. Allele origin: germline. Observed: 14 variant alleles.
Comment: BS2, BP4, BP7

GeneDx
Classification: Likely benign. Last evaluated: 2020-12-07. Review status: criteria provided, single submitter. Criteria: GeneDx Variant Classification Process June 2021. Collection method: clinical testing. Allele origin: germline. Affected: yes.

Eurofins Ntd Llc (ga)
Classification: Benign. Last evaluated: 2014-11-10. Review status: criteria provided, single submitter. Criteria: EGL Classification Definitions 2015. Collection method: clinical testing. Allele origin: germline. Observed: 1 variant allele, 1 heterozygote.

Breakthrough Genomics
Classification: Likely benign. Review status: criteria provided, single submitter. Criteria: ACMG Guidelines, 2015. Collection method: not provided. Allele origin: germline. Inheritance: Autosomal recessive inheritance. Affected: yes.

PreventionGenetics, part of Exact Sciences
Classification: Benign for VIPAS39-related condition. Last evaluated: 2023-11-21. Review status: no assertion criteria provided. Collection method: clinical testing. Allele origin: germline. Not counted in ClinVar's aggregate classification.
Comment: This variant is classified as benign based on ACMG/AMP sequence variant interpretation guidelines (Richards et al. 2015 PMID: 25741868, with internal and published modifications).